The following is an entry in ClinVar:

NM_004370.6(COL12A1):c.1175G>A (p.Arg392His)

Gene: COL12A1 (collagen type XII alpha 1 chain; minus strand). Cytogenetic location: 6q13.
Variant type: single nucleotide variant.
Coding change: c.1175G>A on transcript NM_004370.6 (MANE Select); coding-DNA position 1175, G replaced by A.
Protein change: p.Arg392His; replaces arginine 392 with histidine.
Molecular consequence: missense variant. On other transcripts: intron variant (1).
Genome position (GRCh38, 1-based): chr6:75,183,967, C>T on the plus strand (G>A on the coding strand, the complement: COL12A1 is on the minus strand). VCF-style: chr6-75183967-C-T. GRCh37 (hg19) VCF-style: chr6-75893683-C-T.
Other names: c.73+18753G>A (NM_080645.3); short protein forms R392H.
Identifiers: ClinVar variation 475842 (VCV000475842.17), dbSNP rs755195861, ClinGen allele CA3894251.

ClinVar aggregate classification (germline): Uncertain significance. Review status: criteria provided, multiple submitters, no conflicts (2 of 4 stars). 5 submissions from 5 submitters: Uncertain significance (5). Last evaluated 2026-10-12.

Conditions:
Inborn genetic diseases. Identifiers: MedGen C0950123, MeSH D030342.
Ullrich congenital muscular dystrophy 2 (UCMD2). Identifiers: Orphanet 75840, MedGen C4225314, MONDO:0014654, OMIM 616470.
Bethlem myopathy 2 (BTHLM2). Identifiers: Orphanet 536516, Orphanet 610, MedGen C4225313, MONDO:0034022, OMIM 616471.

Allele frequency attached by ClinVar (database versions not stated): gnomAD 0.00004; ExAC 0.00001; gnomAD exomes 0.00001 and 0.00003; TOPMed 0.00003.

Submissions (5):

GeneDx
Classification: Uncertain significance. Last evaluated: 2026-10-12. Review status: criteria provided, single submitter. Criteria: GeneDx Variant Classification Process June 2021. Collection method: clinical testing. Allele origin: germline.
Comment: In silico analysis suggests that this missense variant does not alter protein structure/function; Not observed at significant frequency in large population cohorts (gnomAD); This variant is associated with the following publications: (PMID: 38663984)

Labcorp Genetics (formerly Invitae), Labcorp
Classification: Uncertain significance for Bethlem myopathy 2; Ullrich congenital muscular dystrophy 2. Last evaluated: 2025-10-28. Review status: criteria provided, single submitter. Criteria: Invitae Variant Classification Sherloc (09022015). Collection method: clinical testing. Allele origin: germline.
Comment: This sequence change replaces arginine, which is basic and polar, with histidine, which is basic and polar, at codon 392 of the COL12A1 protein (p.Arg392His). This variant is present in population databases (rs755195861, gnomAD 0.006%). This missense change has been observed in individual(s) with clinical features of COL12A1-related conditions (internal data). ClinVar contains an entry for this variant (Variation ID: 475842). Invitae Evidence Modeling of protein sequence and biophysical properties (such as structural, functional, and spatial information, amino acid conservation, physicochemical variation, residue mobility, and thermodynamic stability) indicates that this missense variant is not expected to disrupt COL12A1 protein function with a negative predictive value of 80%. In summary, the available evidence is currently insufficient to determine the role of this variant in disease. Therefore, it has been classified as a Variant of Uncertain Significance.

Ambry Genetics
Classification: Uncertain significance for Inborn genetic diseases. Last evaluated: 2025-04-29. Review status: criteria provided, single submitter. Criteria: Ambry Variant Classification Scheme 2023. Collection method: clinical testing. Allele origin: germline.

Women's Health and Genetics/Laboratory Corporation of America, LabCorp
Classification: Uncertain significance. Last evaluated: 2025-02-12. Review status: criteria provided, single submitter. Criteria: LabCorp Variant Classification Summary - May 2015. Collection method: clinical testing. Allele origin: germline.
Comment: Variant summary: COL12A1 c.1175G>A (p.Arg392His) results in a non-conservative amino acid change located in the Fibronectin type-III domain (IPR003961) of the encoded protein sequence. Three of five in-silico tools predict a benign effect of the variant on protein function. The variant allele was found at a frequency of 1.2e-05 in 249400 control chromosomes. The available data on variant occurrences in the general population are insufficient to allow any conclusion about variant significance. To our knowledge, no occurrence of c.1175G>A in individuals affected with Ullrich congenital muscular dystrophy 2 and no experimental evidence demonstrating its impact on protein function have been reported. ClinVar contains an entry for this variant (Variation ID: 475842). Based on the evidence outlined above, the variant was classified as uncertain significance.

Revvity Omics, Revvity
Classification: Uncertain significance. Last evaluated: 2024-05-09. Review status: criteria provided, single submitter. Criteria: ACMG Guidelines, 2015. Collection method: clinical testing. Allele origin: germline.